The following is an entry in ClinVar:

ClinVar aggregate classification (germline): Likely benign (1 of 4 stars; one submission).

Submission:

CeGaT Center for Human Genetics Tuebingen
Classification: Likely benign. Last evaluated: 2026-07-01. Review status: criteria provided, single submitter. Criteria: CeGaT Center For Human Genetics Tuebingen Variant Classification Criteria Version 2. Collection method: clinical testing. Allele origin: germline. Affected: yes. Observed: 1 variant allele.
Comment: SF1: BS1

NM_004630.4(SF1):c.31+185_31+193del

Gene: SF1 (splicing factor 1; minus strand). Cytogenetic location: 11q13.1.
Variant type: Microsatellite.
Coding change: c.31+185_31+193del on transcript NM_004630.4 (MANE Select); bases 185 to 193 of the intron after coding-DNA position 31, 9 bases deleted (TCCGCCGCC; older notation c.31+185_31+193delTCCGCCGCC).
Molecular consequence: intron variant.
Genome position (GRCh38, 1-based): chr11:64,778,169-64,778,177, GGCGGCGGA deleted on the plus strand (TCCGCCGCC on the coding strand, the reverse complement: SF1 is on the minus strand); deleting any 9 consecutive bases within chr11:64,778,169-64,778,189 gives the same sequence; the c. name uses the placement nearest the transcript's 3' end. VCF-style (leftmost placement, unchanged base first): chr11-64778168-CGGCGGCGGA-C. GRCh37 (hg19) VCF-style: chr11-64545640-CGGCGGCGGA-C.
Other names: c.207TCCGCCGCC[1], p.Pro78_Pro80del (NM_001178030.2, NM_001378956.1, NM_001378957.1 and 2 more transcripts); c.-239+185_-239+193del (NM_001346409.2, NM_001346410.2); c.31+185_31+193del (NM_001346364.2, NM_001440583.1, NM_001346363.2 and 4 more transcripts); c.-207-31_-207-23del (NM_001440585.1, NM_001440584.1).
Identifiers: ClinVar variation 5038673 (VCV005038673.1).